The following is an entry in ClinVar:

NM_133433.4(NIPBL):c.2479del (p.Arg827fs)

Gene: NIPBL (NIPBL cohesin loading factor; plus strand). Cytogenetic location: 5p13.2.
Variant type: Deletion.
Coding change: c.2479del on transcript NM_133433.4 (MANE Select); coding-DNA position 2479, one base deleted (A; older notation c.2479delA).
Protein change: p.Arg827fs; shifts the reading frame from arginine 827.
Molecular consequence: frameshift variant.
Genome position (GRCh38, 1-based): chr5:36,985,659, A deleted. VCF-style (leftmost placement, unchanged base first): chr5-36985658-CA-C. GRCh37 (hg19) VCF-style: chr5-36985760-CA-C.
Other names: c.2479del, p.Arg827fs (NM_015384.5); short protein forms R827fs.
Identifiers: ClinVar variation 950707 (VCV000950707.9), dbSNP rs1744695193, ClinGen allele CA1139655871.

ClinVar aggregate classification (germline): Pathogenic (1 of 4 stars; one submission).

Conditions:
Cornelia de Lange syndrome 1 (CDLS1). Also called: Brachmann de Lange syndrome; TYPUS DEGENERATIVUS AMSTELODAMENSIS; NIPBL-Related Cornelia de Lange Syndrome. Identifiers: Orphanet 199, MedGen C4551851, MONDO:0007387, OMIM 122470.

Submission:

Labcorp Genetics (formerly Invitae), Labcorp
Classification: Pathogenic for Cornelia de Lange syndrome 1. Last evaluated: 2025-02-07. Review status: criteria provided, single submitter. Criteria: Invitae Variant Classification Sherloc (09022015). Collection method: clinical testing. Allele origin: germline.
Comment: This sequence change creates a premature translational stop signal (p.Arg827Glyfs*20) in the NIPBL gene. It is expected to result in an absent or disrupted protein product. Loss-of-function variants in NIPBL are known to be pathogenic (PMID: 15318302, 19763162, 23505322, 29995837). This variant is not present in population databases (gnomAD no frequency). This premature translational stop signal has been observed in individual(s) with Cornelia de Lange syndrome (PMID: 20824775, 25447906). ClinVar contains an entry for this variant (Variation ID: 950707). For these reasons, this variant has been classified as Pathogenic.

Literature cited by the submitters: PubMed 15318302; PubMed 19763162; PubMed 23505322; PubMed 29995837; PubMed 20824775; PubMed 25447906.